The following is an entry in ClinVar:

ClinVar aggregate classification (germline): Benign (1 of 4 stars; one submission).

Conditions:
MELAS syndrome (MELAS). Also called: Juvenile myopathy, encephalopathy, lactic acidosis, stroke. Identifiers: Orphanet 550, MedGen C0162671, MONDO:0010789, OMIM 540000.

Submission:

Wong Mito Lab, Molecular and Human Genetics, Baylor College of Medicine
Classification: Benign for MELAS syndrome. Last evaluated: 2019-07-12. Review status: criteria provided, single submitter. Criteria: Modified ACMG Guidelines (Unpublished). Collection method: clinical testing. Allele origin: germline.
Comment: The NC_012920.1:m.5530C>T variant in MT-TW gene is interpreted to be a Benign variant based on the modified ACMG guidelines (unpublished). This variant meets the following evidence codes reported in the guidelines: BS1, BS2, BP4

Literature cited by the submitters: PubMed 31965079.

NC_012920.1(MT-TW):m.5530C>T

Gene: MT-TW (mitochondrially encoded tRNA tryptophan; plus strand).
Variant type: single nucleotide variant.
Genome position: chrM-5530-C-T.
Identifiers: ClinVar variation 689928 (VCV000689928.1), dbSNP rs1603220009, ClinGen allele CA913179766.